The following is an entry in ClinVar:

NM_001044385.3(TMEM237):c.74+16A>G

Gene: TMEM237 (transmembrane protein 237; minus strand). Cytogenetic location: 2q33.1.
Variant type: single nucleotide variant.
Coding change: c.74+16A>G on transcript NM_001044385.3 (MANE Select); 16 bases into the intron after coding-DNA position 74, A replaced by G.
Molecular consequence: intron variant.
Genome position (GRCh38, 1-based): chr2:201,640,877, T>C on the plus strand (A>G on the coding strand, the complement: TMEM237 is on the minus strand). VCF-style: chr2-201640877-T-C. GRCh37 (hg19) VCF-style: chr2-202505600-T-C.
Other names: c.50+16A>G (NM_152388.4).
Identifiers: ClinVar variation 388503 (VCV000388503.7), dbSNP rs538615771, ClinGen allele CA2056617.

ClinVar aggregate classification (germline): Benign/Likely benign. Review status: criteria provided, multiple submitters, no conflicts (2 of 4 stars). 3 submissions from 3 submitters: Benign (1); Likely benign (2). Last evaluated 2025-12-15.

Conditions:
Joubert syndrome 14 (JBTS14). Identifiers: MedGen C3280766, MONDO:0013745, OMIM 614424.

Allele frequency attached by ClinVar (database versions not stated): ExAC 0.00024; gnomAD 0.00002 and 0.00005; TOPMed 0.00004; gnomAD exomes 0.00009 and 0.00020; 1000 Genomes Project 30x 0.00016; 1000 Genomes Project 0.00020.
gnomAD v4.1: 139 of 1,573,718 alleles (0.0088%); highest among the groups gnomAD compares: South Asian, 0.13%; 2 homozygotes.

Submissions (3):

Labcorp Genetics (formerly Invitae), Labcorp
Classification: Benign for Joubert syndrome 14. Last evaluated: 2025-12-15. Review status: criteria provided, single submitter. Criteria: Invitae Variant Classification Sherloc (09022015). Collection method: clinical testing. Allele origin: germline.

Blueprint Genetics
Classification: Likely benign. Last evaluated: 2024-09-10. Review status: criteria provided, single submitter. Criteria: ACMG Guidelines, 2015. Collection method: clinical testing. Allele origin: germline.

GeneDx
Classification: Likely benign. Last evaluated: 2016-08-17. Review status: criteria provided, single submitter. Criteria: GeneDx Variant Classification (06012015). Collection method: clinical testing. Allele origin: germline. Affected: yes.
Comment: This variant is considered likely benign or benign based on one or more of the following criteria: it is a conservative change, it occurs at a poorly conserved position in the protein, it is predicted to be benign by multiple in silico algorithms, and/or has population frequency not consistent with disease.